The following is an entry in ClinVar:

NM_014028.4(OSTM1):c.889G>A (p.Val297Ile)

Gene: OSTM1 (osteoclastogenesis associated transmembrane protein 1; minus strand). Cytogenetic location: 6q21.
Variant type: single nucleotide variant.
Coding change: c.889G>A on transcript NM_014028.4 (MANE Select); coding-DNA position 889, G replaced by A.
Protein change: p.Val297Ile; replaces valine 297 with isoleucine.
Molecular consequence: missense variant.
Genome position (GRCh38, 1-based): chr6:108,049,313, C>T on the plus strand (G>A on the coding strand, the complement: OSTM1 is on the minus strand). VCF-style: chr6-108049313-C-T. GRCh37 (hg19) VCF-style: chr6-108370517-C-T.
Other names: c.889G>A (NM_014028.3); short protein forms V297I.
Identifiers: ClinVar variation 1521951 (VCV001521951.6), dbSNP rs144286164, ClinGen allele CA3947942.
Genomic context (GRCh38, chr6:108,049,313, plus strand): 5'-GCAGAATGAGTTTGCGTTTCTTTTGCTCTGAGTGAAGAAAGCTACTAAGGTAGAAGACAA[C>T]AGGTAGAAAGAGAATGAACACAGAAACAGCAATTACAGGCACTGTGTCACTGCAAGGGAC-3'
Protein context (NP_054747.2, residues 287-307): AVSVFILFLP[Val297Ile]VFYLSSFLHS

ClinVar aggregate classification (germline): Uncertain significance. Review status: criteria provided, multiple submitters, no conflicts (2 of 4 stars). 2 submissions from 2 submitters: Uncertain significance (2). Last evaluated 2024-03-19.

Conditions:
Inborn genetic diseases. Identifiers: MedGen C0950123, MeSH D030342.

Allele frequency attached by ClinVar (database versions not stated): gnomAD exomes 0.00008; ExAC 0.00011; gnomAD 0.00031 and 0.00035; TOPMed 0.00032; ESP Exome Variant Server 0.00038.
gnomAD v4.1: 72 of 1,612,958 alleles (0.0045%); highest among the groups gnomAD compares: African/African-American, 0.092%; no homozygotes.

Submissions (2):

Ambry Genetics
Classification: Uncertain significance for Inborn genetic diseases. Last evaluated: 2024-03-19. Review status: criteria provided, single submitter. Criteria: Ambry Variant Classification Scheme 2023. Collection method: clinical testing. Allele origin: germline.

Labcorp Genetics (formerly Invitae), Labcorp
Classification: Uncertain significance. Last evaluated: 2022-07-09. Review status: criteria provided, single submitter. Criteria: Invitae Variant Classification Sherloc (09022015). Collection method: clinical testing. Allele origin: germline.
Comment: This sequence change replaces valine, which is neutral and non-polar, with isoleucine, which is neutral and non-polar, at codon 297 of the OSTM1 protein (p.Val297Ile). This variant is present in population databases (rs144286164, gnomAD 0.1%). This variant has not been reported in the literature in individuals affected with OSTM1-related conditions. ClinVar contains an entry for this variant (Variation ID: 1521951). Algorithms developed to predict the effect of missense changes on protein structure and function (SIFT, PolyPhen-2, Align-GVGD) all suggest that this variant is likely to be tolerated. In summary, the available evidence is currently insufficient to determine the role of this variant in disease. Therefore, it has been classified as a Variant of Uncertain Significance.